The following is an entry in ClinVar:

ClinVar aggregate classification (germline): Likely benign (1 of 4 stars; one submission).

Conditions:
Wilson disease (WND). Also called: Wilson's disease. Identifiers: Orphanet 905, MedGen C0019202, MONDO:0010200, OMIM 277900. Disease mechanism: loss of function.

Allele frequency attached by ClinVar (database versions not stated): gnomAD exomes 0.00001.
gnomAD v4.1: 8 of 1,614,152 alleles (0.0005%); highest among the groups gnomAD compares: Non-Finnish European, 0.00068%; no homozygotes.

Submission:

All of Us Research Program, National Institutes of Health
Classification: Likely benign for Wilson disease. Last evaluated: 2023-05-30. Review status: criteria provided, single submitter. Criteria: ACMG Guidelines, 2015. Collection method: clinical testing. Allele origin: germline. Inheritance: Autosomal recessive inheritance. Observed: 1 variant allele, 1 heterozygote.
Comment: This study involves interpretation of variants in research participants for the purpose of population health screening. Participant phenotype was not available at the time of variant classification. Additional details can be found in publication PMID: 35346344, PMCID: PMC8962531

NM_000053.4(ATP7B):c.3639T>G (p.Gly1213=)

Gene: ATP7B (ATPase copper transporting beta; minus strand). Cytogenetic location: 13q14.3.
Variant type: single nucleotide variant.
Coding change: c.3639T>G on transcript NM_000053.4 (MANE Select); coding-DNA position 3639, T replaced by G.
Protein change: p.Gly1213=; no amino-acid change (glycine 1213 retained).
Molecular consequence: synonymous variant.
Genome position (GRCh38, 1-based): chr13:51,939,111, A>C on the plus strand (T>G on the coding strand, the complement: ATP7B is on the minus strand). VCF-style: chr13-51939111-A-C. GRCh37 (hg19) VCF-style: chr13-52513247-A-C.
Other names: c.3585T>G, p.Gly1195= (NM_001406516.1, NM_001406515.1); c.3543T>G, p.Gly1181= (NM_001406517.1, NM_001406518.1); c.3504T>G, p.Gly1168= (NM_001406519.1); c.3495T>G, p.Gly1165= (NM_001406520.1, NM_001406521.1, NM_001406522.1); c.3456T>G, p.Gly1152= (NM_001406523.1); c.3462T>G, p.Gly1154= (NM_001406524.1); c.3444T>G, p.Gly1148= (NM_001406525.1); c.3639T>G, p.Gly1213= (NM_001406526.1, NM_001406511.1, NM_001406512.1); and 20 more.
Identifiers: ClinVar variation 3071426 (VCV003071426.1), dbSNP rs1593652180, ClinGen allele CA483893757.
Genomic context (GRCh38, chr13:51,939,111, plus strand): 5'-CTGGGTGGCAATAGCTCTGGCTGTCTTCCGGTTGTCCCCCGTGATCAGAACCACGTCCAC[A>C]CCCATGCTCTGCAGCGTGTGCACAGCCAGGGCAGCCTCCTGCTTGACAGCGTCTGCGATT-3'
Protein context (NP_000044.2, residues 1203-1223): ALAVHTLQSM[Gly1213=]VDVVLITGDN